The following is an entry in ClinVar:

NM_030943.4(AMN):c.165G>A (p.Met55Ile)

Gene: AMN (amnion associated transmembrane protein; plus strand). Cytogenetic location: 14q32.32.
Variant type: single nucleotide variant.
Coding change: c.165G>A on transcript NM_030943.4 (MANE Select); coding-DNA position 165, G replaced by A.
Protein change: p.Met55Ile; replaces methionine 55 with isoleucine.
Molecular consequence: missense variant.
Genome position (GRCh38, 1-based): chr14:102,923,937, G>A. VCF-style: chr14-102923937-G-A. GRCh37 (hg19) VCF-style: chr14-103390274-G-A.
Other names: short protein forms M55I.
Identifiers: ClinVar variation 618526 (VCV000618526.22), dbSNP rs61731158, ClinGen allele CA7359789.
Genomic context (GRCh38, chr14:102,923,937, plus strand): 5'-ACCGTGTGGCCCCGGTGGGGGTTGCTCCCGGCTCGGCTGAGGCAGCTTCTTCCTGCAGAT[G>A]GTGTCAGTCCTGGTGCAAGAAGGTCACGCCGTCTCAGACATGGTAAGGCCGGGCTGCTAC-3'
Protein context (NP_112205.2, residues 45-65): GGAVEFPADK[Met55Ile]VSVLVQEGHA

ClinVar aggregate classification (germline): Benign/Likely benign. Review status: criteria provided, multiple submitters, no conflicts (2 of 4 stars). 4 submissions from 4 submitters: Benign (1); Likely benign (2). 1 of the submissions does not count toward it. Last evaluated 2026-02-01.

Conditions:
Imerslund-Grasbeck syndrome. Also called: Imerslund-Gräsbeck syndrome; Megaloblastic anemia due to inborn errors of metabolism; ENTEROCYTE COBALAMIN MALABSORPTION; ENTEROCYTE INTRINSIC FACTOR RECEPTOR, DEFECT OF; PERNICIOUS ANEMIA, JUVENILE, DUE TO SELECTIVE INTESTINAL MALABSORPTION OF VITAMIN B12, WITH PROTEINURIA. Identifiers: Orphanet 35858, MedGen C4551825, MONDO:0009853.
AMN-related disorder. Also called: AMN-related condition.

Allele frequency attached by ClinVar (database versions not stated): gnomAD exomes 0.00045 and 0.00120; ExAC 0.00137; 1000 Genomes Project 0.00359; ESP Exome Variant Server 0.00446; 1000 Genomes Project 30x 0.00453; gnomAD 0.00462 and 0.00505; TOPMed 0.00515.
gnomAD v4.1: 1,398 of 1,613,200 alleles (0.087%); highest among the groups gnomAD compares: African/African-American, 1.6%; 15 homozygotes.

Submissions (4):

Labcorp Genetics (formerly Invitae), Labcorp
Classification: Benign for Imerslund-Grasbeck syndrome. Last evaluated: 2026-02-01. Review status: criteria provided, single submitter. Criteria: Invitae Variant Classification Sherloc (09022015). Collection method: clinical testing. Allele origin: germline.

Blueprint Genetics
Classification: Likely benign. Last evaluated: 2024-10-08. Review status: criteria provided, single submitter. Criteria: ACMG Guidelines, 2015. Collection method: clinical testing. Allele origin: germline.

ARUP Laboratories, Molecular Genetics and Genomics, ARUP Laboratories
Classification: Likely benign. Last evaluated: 2017-08-08. Review status: criteria provided, single submitter. Criteria: ARUP Molecular Germline Variant Investigation Process. Collection method: clinical testing. Allele origin: germline.
Comment: The c.165G>A; p.Met55Ile variant has not been previously reported in patients with Megaloblastic anemia-1. This variant is listed in the Genome Aggregation Database (gnomAD) with an African population frequency of 1.6 percent (identified on 394 out of 24,012 chromosomes, including 2 homozygotes) and is listed in the NHLBI GO Exome Sequencing Project with an African population frequency of 1.3 percent. The methionine at position 55 is weakly conserved and computational analyses of the effects of the p.Met55Ile variant on protein structure and function predict this variant to be benign (SIFT: tolerated, MutationTaster: polymorphism, PolyPhen-2: benign). Based on the available information, this variant has been classified as likely benign.

PreventionGenetics, part of Exact Sciences
Classification: Benign for AMN-related condition. Last evaluated: 2019-10-15. Review status: no assertion criteria provided. Collection method: clinical testing. Allele origin: germline. Not counted in ClinVar's aggregate classification.
Comment: This variant is classified as benign based on ACMG/AMP sequence variant interpretation guidelines (Richards et al. 2015 PMID: 25741868, with internal and published modifications).